The following is an entry in ClinVar:

ClinVar aggregate classification (germline): Uncertain significance (1 of 4 stars; one submission).

Submission:

Labcorp Genetics (formerly Invitae), Labcorp
Classification: Uncertain significance. Last evaluated: 2022-09-13. Review status: criteria provided, single submitter. Criteria: Invitae Variant Classification Sherloc (09022015). Collection method: clinical testing. Allele origin: germline.
Comment: This sequence change creates a premature translational stop signal (p.Glu492Valfs*152) in the SLC39A4 gene. While this is not anticipated to result in nonsense mediated decay, it is expected to disrupt the last 156 amino acid(s) of the SLC39A4 protein. This variant is not present in population databases (gnomAD no frequency). This variant has not been reported in the literature in individuals affected with SLC39A4-related conditions. Algorithms developed to predict the effect of sequence changes on RNA splicing suggest that this variant may disrupt the consensus splice site. This variant disrupts the C-terminus of the SLC39A4 protein. Other variant(s) that disrupt this region (p.Ala608Argfs*3) have been observed in individuals with SLC39A4-related conditions (PMID: 26916651). This suggests that this may be a clinically significant region of the protein. In summary, the available evidence is currently insufficient to determine the role of this variant in disease. Therefore, it has been classified as a Variant of Uncertain Significance.

Literature cited by the submitters: PubMed 26916651.

NC_000008.11:g.144413388CT[1]

Gene: SLC39A4 (solute carrier family 39 member 4; minus strand). Cytogenetic location: 8q24.3.
Variant type: Microsatellite.
Genome position: GRCh38 VCF-style: chr8-144413387-ACT-A. GRCh37 (hg19) VCF-style: chr8-145638771-ACT-A.
Identifiers: ClinVar variation 2109550 (VCV002109550.2), dbSNP rs2537428172, ClinGen allele CA2580616134.